The following is an entry in ClinVar:

ClinVar aggregate classification (germline): Pathogenic (1 of 4 stars; one submission).

Submission:

CeGaT Center for Human Genetics Tuebingen
Classification: Pathogenic. Last evaluated: 2025-02-01. Review status: criteria provided, single submitter. Criteria: CeGaT Center For Human Genetics Tuebingen Variant Classification Criteria Version 2. Collection method: clinical testing. Allele origin: germline. Affected: yes. Observed: 1 variant allele.
Comment: CDH23: PVS1, PM2

NM_022124.6(CDH23):c.2975dup (p.Pro993fs)

Gene: CDH23 (cadherin related 23; plus strand). Cytogenetic location: 10q22.1.
Variant type: Duplication.
Coding change: c.2975dup on transcript NM_022124.6 (MANE Select); coding-DNA position 2975, one base duplicated (C; older notation c.2975dupC).
Protein change: p.Pro993fs; shifts the reading frame from proline 993.
Molecular consequence: frameshift variant.
Genome position (GRCh38, 1-based): chr10:71,706,918, C duplicated. VCF-style (leftmost placement, unchanged base first): chr10-71706917-A-AC. GRCh37 (hg19) VCF-style: chr10-73466674-A-AC.
Other names: c.2975dup, p.Pro993fs (NM_001171930.2, NM_001171931.2); short protein forms P993fs.
Identifiers: ClinVar variation 3772473 (VCV003772473.13).
Genomic context (GRCh38, chr10:71,706,917, plus strand): 5'-AGAAGCCAGGCCTAGCCCCGGCGCCCGTTCTGCCCCGCAGTGCTGGATGTGAACGACGAG[A>AC]CGCCCACCTTCTTCCCGGCCGTGTACAATGTGTCTGTGTCCGAGGACGTGCCACGCGAGT-3'